The following is an entry in ClinVar:

NM_000051.4(ATM):c.3330A>G (p.Ala1110=)

Gene: ATM (ATM serine/threonine kinase; plus strand). Cytogenetic location: 11q22.3.
Variant type: single nucleotide variant.
Coding change: c.3330A>G on transcript NM_000051.4 (MANE Select); coding-DNA position 3330, A replaced by G.
Protein change: p.Ala1110=; no amino-acid change (alanine 1110 retained).
Molecular consequence: synonymous variant.
Genome position (GRCh38, 1-based): chr11:108,279,536, A>G. VCF-style: chr11-108279536-A-G. GRCh37 (hg19) VCF-style: chr11-108150263-A-G.
Other names: c.3330A>G, p.Ala1110= (NM_001351834.2).
Identifiers: ClinVar variation 479077 (VCV000479077.15), dbSNP rs1009383081, ClinGen allele CA228363435.

ClinVar aggregate classification (germline): Benign/Likely benign. Review status: criteria provided, multiple submitters, no conflicts (2 of 4 stars). 3 submissions from 3 submitters: Benign (1); Likely benign (2). Last evaluated 2024-06-28.

Conditions:
Hereditary cancer-predisposing syndrome. Also called: Tumor predisposition; Neoplastic Syndromes, Hereditary; Hereditary Cancer Syndrome; Hereditary neoplastic syndrome. Identifiers: Orphanet 140162, MedGen C0027672, MeSH D009386, MONDO:0015356.
Familial cancer of breast. Also called: BREAST CANCER, FAMILIAL; Hereditary breast cancer; hereditary breast carcinoma. Identifiers: Orphanet 227535, MedGen C0346153, MONDO:0016419, OMIM 114480. Disease mechanism: loss of function.
Ataxia-telangiectasia syndrome (AT). Also called: Cerebello-oculocutaneous telangiectasia; Immunodeficiency with ataxia telangiectasia; ATAXIA-TELANGIECTASIA, COMPLEMENTATION GROUP A; Ataxia-telangiectasia, complementation group D; AT, COMPLEMENTATION GROUP C; ATAXIA-TELANGIECTASIA, FRESNO VARIANT. Identifiers: Orphanet 100, MedGen C0004135, MONDO:0008840, OMIM 208900.

Allele frequency attached by ClinVar (database versions not stated): TOPMed below 0.00001; gnomAD 0.00001.
gnomAD v4.1: 3 of 1,613,820 alleles (0.00019%); highest among the groups gnomAD compares: Non-Finnish European, 0.00025%; no homozygotes.

Submissions (3):

Labcorp Genetics (formerly Invitae), Labcorp
Classification: Likely benign for Ataxia-telangiectasia syndrome. Last evaluated: 2024-06-28. Review status: criteria provided, single submitter. Criteria: Invitae Variant Classification Sherloc (09022015). Collection method: clinical testing. Allele origin: germline.

Myriad Genetics, Inc.
Classification: Benign for Familial cancer of breast. Last evaluated: 2024-05-14. Review status: criteria provided, single submitter. Criteria: Myriad Autosomal Dominant, Autosomal Recessive and X-Linked Classification Criteria (2023). Collection method: clinical testing. Allele origin: unknown.
Comment: This variant is considered benign. This variant is a silent/synonymous amino acid change and it is not expected to impact splicing.

Ambry Genetics
Classification: Likely benign for Hereditary cancer-predisposing syndrome. Last evaluated: 2017-02-13. Review status: criteria provided, single submitter. Criteria: Ambry Variant Classification Scheme 2023. Collection method: clinical testing. Allele origin: germline.